The following is an entry in ClinVar:

ClinVar aggregate classification (germline): Pathogenic (1 of 4 stars; one submission).

Conditions:
Gorlin syndrome. Also called: Nevoid Basal Cell Carcinoma Syndrome; Basal cell nevus syndrome. Identifiers: Orphanet 377, MedGen C0004779, MONDO:0007187.

Submission:

Labcorp Genetics (formerly Invitae), Labcorp
Classification: Pathogenic for Gorlin syndrome. Last evaluated: 2023-03-21. Review status: criteria provided, single submitter. Criteria: Invitae Variant Classification Sherloc (09022015). Collection method: clinical testing. Allele origin: germline.
Comment: For these reasons, this variant has been classified as Pathogenic. ClinVar contains an entry for this variant (Variation ID: 524566). This premature translational stop signal has been observed in individual(s) with nevoid basal cell carcinoma syndrome (PMID: 8981943, 16301862). This variant is not present in population databases (gnomAD no frequency). This sequence change creates a premature translational stop signal (p.Leu87Ilefs*2) in the PTCH1 gene. It is expected to result in an absent or disrupted protein product. Loss-of-function variants in PTCH1 are known to be pathogenic (PMID: 16301862, 16419085).

Literature cited by the submitters: PubMed 8981943; PubMed 16301862; PubMed 16419085.

NM_000264.5(PTCH1):c.259_260del (p.Leu87fs)

Gene: PTCH1 (patched 1; minus strand). Cytogenetic location: 9q22.32.
Variant type: Deletion.
Coding change: c.259_260del on transcript NM_000264.5 (MANE Select); coding-DNA positions 259 to 260, 2 bases deleted (TT; older notation c.259_260delTT).
Protein change: p.Leu87fs; shifts the reading frame from leucine 87.
Molecular consequence: frameshift variant. On other transcripts: 5 prime UTR variant (4), non-coding transcript variant (1).
Genome position (GRCh38, 1-based): chr9:95,506,541-95,506,542, AA deleted on the plus strand (TT on the coding strand, the reverse complement: PTCH1 is on the minus strand). VCF-style (leftmost placement, unchanged base first): chr9-95506540-TAA-T. GRCh37 (hg19) VCF-style: chr9-98268822-TAA-T.
Other names: c.61_62del, p.Leu21fs (NM_001083602.3, NM_001354919.2); c.256_257del, p.Leu86fs (NM_001083603.3); c.-195_-194del (NM_001083604.3, NM_001083605.3, NM_001083606.3 and 1 more transcripts); c.259_260del, p.Leu87fs (NM_001354918.2); short protein forms L87fs, L86fs, L21fs.
Identifiers: ClinVar variation 524566 (VCV000524566.9), dbSNP rs1554708760, ClinGen allele CA658797248.